The following is an entry in ClinVar:

NM_001613.4(ACTA2):c.1101C>T (p.Ala367=)

Genes: ACTA2 (actin alpha 2, smooth muscle; minus strand), ACTA2-AS1 (ACTA2 antisense RNA 1; plus strand). Cytogenetic location: 10q23.31.
Variant type: single nucleotide variant.
Coding change: c.1101C>T on transcript NM_001613.4 (MANE Select); coding-DNA position 1101, C replaced by T.
Protein change: p.Ala367=; no amino-acid change (alanine 367 retained).
Molecular consequence: synonymous variant. On other transcripts: non-coding transcript variant (1).
Genome position (GRCh38, 1-based): chr10:88,935,256, G>A on the plus strand (C>T on the coding strand, the complement: ACTA2 is on the minus strand). VCF-style: chr10-88935256-G-A. GRCh37 (hg19) VCF-style: chr10-90695013-G-A.
Other names: c.1101C>T, p.Ala367= (NM_001141945.3, NM_001320855.2, NM_001406462.1 and 2 more transcripts); c.990C>T, p.Ala330= (NM_001406466.1); c.972C>T, p.Ala324= (NM_001406467.1, NM_001406468.1, NM_001406469.1); c.909C>T, p.Ala303= (NM_001406471.1).
Identifiers: ClinVar variation 3075534 (VCV003075534.1), dbSNP rs1845711312, ClinGen allele CA470729053.

ClinVar aggregate classification (germline): Likely benign (1 of 4 stars; one submission).

Conditions:
Familial thoracic aortic aneurysm and aortic dissection (TAAD). Also called: Thoracic aortic aneurysms and dissections. Identifiers: Orphanet 91387, MedGen C4707243, MONDO:0019625.

Allele frequency attached by ClinVar (database versions not stated): gnomAD exomes below 0.00001; gnomAD 0.00001.
gnomAD v4.1: 4 of 1,613,664 alleles (0.00025%); highest among the groups gnomAD compares: African/African-American, 0.0013%; no homozygotes.

Submission:

All of Us Research Program, National Institutes of Health
Classification: Likely benign for Familial thoracic aortic aneurysm and aortic dissection. Last evaluated: 2023-03-28. Review status: criteria provided, single submitter. Criteria: ACMG Guidelines, 2015. Collection method: clinical testing. Allele origin: germline. Inheritance: Autosomal dominant inheritance. Observed: 1 variant allele, 1 heterozygote.
Comment: This study involves interpretation of variants in research participants for the purpose of population health screening. Participant phenotype was not available at the time of variant classification. Additional details can be found in publication PMID: 35346344, PMCID: PMC8962531